The following is an entry in ClinVar:

NM_000868.4(HTR2C):c.1361G>A (p.Arg454Lys)

Genes: HTR2C (5-hydroxytryptamine receptor 2C; plus strand), LOC126863306 (MED14-independent group 3 enhancer GRCh37_chrX:114140926-114142125; plus strand). Cytogenetic location: Xq23.
Variant type: single nucleotide variant.
Coding change: c.1361G>A on transcript NM_000868.4 (MANE Select); coding-DNA position 1361, G replaced by A.
Protein change: p.Arg454Lys; replaces arginine 454 with lysine.
Molecular consequence: missense variant. On other transcripts: 3 prime UTR variant (1).
Genome position (GRCh38, 1-based): chrX:114,907,399, G>A. VCF-style: chrX-114907399-G-A. GRCh37 (hg19) VCF-style: chrX-114141962-G-A.
Other names: c.1361G>A, p.Arg454Lys (NM_001256760.3); c.*519G>A (NM_001256761.3); c.1361G>A (NM_000868.3); short protein forms R454K.
Identifiers: ClinVar variation 4036771 (VCV004036771.2).

ClinVar aggregate classification (germline): Uncertain significance. Review status: criteria provided, multiple submitters, no conflicts (2 of 4 stars). 2 submissions from 2 submitters: Uncertain significance (2). Last evaluated 2025-04-25.

Conditions:
HTR2C-related disorder. Also called: HTR2C-related condition.

gnomAD v4.1: 35 of 1,196,354 alleles (0.0029%); highest among the groups gnomAD compares: Non-Finnish European, 0.004%; no homozygotes.

Submissions (2):

Ambry Genetics
Classification: Uncertain significance. Last evaluated: 2025-04-25. Review status: criteria provided, single submitter. Criteria: Ambry Variant Classification Scheme 2023. Collection method: clinical testing. Allele origin: germline.

PreventionGenetics, part of Exact Sciences
Classification: Uncertain significance for HTR2C-related condition. Last evaluated: 2024-12-12. Review status: criteria provided, single submitter. Criteria: ACMG Guidelines, 2015. Collection method: clinical testing. Allele origin: germline.
Comment: The HTR2C c.1361G>A variant is predicted to result in the amino acid substitution p.Arg454Lys. To our knowledge, this variant has not been reported in the literature. This variant is reported in 0.0025% of alleles in individuals of European (Non-Finnish) descent in gnomAD. At this time, the clinical significance of this variant is uncertain due to the absence of conclusive functional and genetic evidence.